The following is an entry in ClinVar:

NM_004415.4(DSP):c.3650C>T (p.Thr1217Met)

Gene: DSP (desmoplakin; plus strand). Cytogenetic location: 6p24.3.
Variant type: single nucleotide variant.
Coding change: c.3650C>T on transcript NM_004415.4 (MANE Select); coding-DNA position 3650, C replaced by T.
Protein change: p.Thr1217Met; replaces threonine 1217 with methionine.
Molecular consequence: missense variant. On other transcripts: intron variant (1).
Genome position (GRCh38, 1-based): chr6:7,579,840, C>T. VCF-style: chr6-7579840-C-T. GRCh37 (hg19) VCF-style: chr6-7580073-C-T.
Other names: c.3650C>T, p.Thr1217Met (NM_001319034.2); c.3582+68C>T (NM_001008844.3); short protein forms T1217M.
Identifiers: ClinVar variation 163266 (VCV000163266.40), dbSNP rs535202724, ClinGen allele CA004431.

ClinVar aggregate classification (germline): Conflicting classifications of pathogenicity. Review status: criteria provided, conflicting classifications (1 of 4 stars). 17 submissions from 15 submitters: Uncertain significance (1); Benign (1); Likely benign (11). 4 of the submissions do not count toward it. Last evaluated 2026-04-15.

Conditions:
Cardiovascular phenotype. Identifiers: MedGen CN230736.
DSP-related disorder. Also called: DSP-related condition; DSP-related disorders.
Arrhythmogenic cardiomyopathy with wooly hair and keratoderma. Also called: Dilated cardiomyopathy with woolly hair and keratoderma; Carvajal syndrome; PALMOPLANTAR KERATODERMA WITH LEFT VENTRICULAR CARDIOMYOPATHY AND WOOLLY HAIR; Arrhythmogenic cardiomyopathy with woolly hair and keratoderma. Identifiers: Orphanet 65282, MedGen C1854063, MONDO:0011581, OMIM 605676.
Arrhythmogenic right ventricular dysplasia 8 (ARVD8). Also called: Arrhythmogenic Right Ventricular Dysplasia/Cardiomyopathy 8; ARRHYTHMOGENIC RIGHT VENTRICULAR DYSPLASIA, FAMILIAL, 8; ARRHYTHMOGENIC RIGHT VENTRICULAR CARDIOMYOPATHY 8. Identifiers: MedGen C1843896, MONDO:0011831, OMIM 607450.
Cardiomyopathy (CMYO). Also called: Cardiomyopathies. Identifiers: Orphanet 167848, MedGen C0878544, MONDO:0004994, HP:0001638. Inheritance: Various modes of inheritance.
Lethal acantholytic epidermolysis bullosa (EBLA). Identifiers: Orphanet 158687, MedGen C1864826, MONDO:0012323, OMIM 609638.
Woolly hair-skin fragility syndrome (WHSF). Identifiers: Orphanet 293165, MedGen C1843292, MONDO:0957307, OMIM 620415.
Primary dilated cardiomyopathy (DCM). Also called: Dilated Cardiomyopathy. Identifiers: Orphanet 217604, MedGen C0007193, MeSH D002311, MONDO:0005021, HP:0001644. Inheritance: Various modes of inheritance.

Allele frequency attached by ClinVar (database versions not stated): gnomAD 0.00003 and 0.00017; TOPMed 0.00005; gnomAD exomes 0.00020 and 0.00035; ExAC 0.00047; 1000 Genomes Project 30x 0.00078; 1000 Genomes Project 0.00080.
gnomAD v4.1: 317 of 1,614,058 alleles (0.02%); highest among the groups gnomAD compares: South Asian, 0.25%; 1 homozygote.

Submissions (17):

PreventionGenetics, part of Exact Sciences
Classification: Likely benign for DSP-related condition. Last evaluated: 2026-04-15. Review status: criteria provided, single submitter. Criteria: ACMG Guidelines, 2015. Collection method: clinical testing. Allele origin: germline.
Comment: This variant is classified as likely benign based on ACMG/AMP sequence variant interpretation guidelines (Richards et al. 2015 PMID: 25741868, with internal and published modifications).

Labcorp Genetics (formerly Invitae), Labcorp
Classification: Likely benign for Arrhythmogenic cardiomyopathy with wooly hair and keratoderma; Arrhythmogenic right ventricular dysplasia 8. Last evaluated: 2026-01-27. Review status: criteria provided, single submitter. Criteria: Invitae Variant Classification Sherloc (09022015). Collection method: clinical testing. Allele origin: germline.

Women's Health and Genetics/Laboratory Corporation of America, LabCorp
Classification: Likely benign. Last evaluated: 2024-11-21. Review status: criteria provided, single submitter. Criteria: LabCorp Variant Classification Summary - May 2015. Collection method: clinical testing. Allele origin: germline.

All of Us Research Program, National Institutes of Health
Classification: Likely benign for Arrhythmogenic cardiomyopathy with wooly hair and keratoderma. Last evaluated: 2024-09-23. Review status: criteria provided, single submitter. Criteria: ACMG Guidelines, 2015. Collection method: clinical testing. Allele origin: germline. Inheritance: Autosomal dominant inheritance. Observed: 28 variant alleles, 28 heterozygotes.
Comment: This study involves interpretation of variants in research participants for the purpose of population health screening. Participant phenotype was not available at the time of variant classification. Additional details can be found in publication PMID: 35346344, PMCID: PMC8962531

Blueprint Genetics
Classification: Likely benign. Last evaluated: 2023-06-12. Review status: criteria provided, single submitter. Criteria: ACMG Guidelines, 2015. Collection method: clinical testing. Allele origin: germline.

GeneDx
Classification: Likely benign. Last evaluated: 2020-07-27. Review status: criteria provided, single submitter. Criteria: GeneDx Variant Classification Process June 2021. Collection method: clinical testing. Allele origin: germline. Affected: yes.
Comment: This variant is associated with the following publications: (PMID: 24704780)

Laboratory for Molecular Medicine, Mass General Brigham Personalized Medicine
Classification: Benign. Last evaluated: 2019-07-26. Review status: criteria provided, single submitter. Criteria: LMM Criteria. Collection method: clinical testing. Allele origin: germline. Observed: 1 variant allele.
Comment: The p.Thr1217Met variant in DSP is classified as benign because it has been identified in 0.3% (83/30592) of South Asian chromosomes by gnomAD. Computational prediction tools and conservation analysis suggest that this variant may not impact the protein. ACMG/AMP Criteria applied: BA1, BP4.

Color Diagnostics, LLC DBA Color Health
Classification: Likely benign for Cardiomyopathy. Last evaluated: 2018-10-10. Review status: criteria provided, single submitter. Criteria: ACMG Guidelines, 2015. Collection method: clinical testing. Allele origin: germline.

Illumina Laboratory Services, Illumina
Classification: Likely benign for Lethal acantholytic epidermolysis bullosa. Last evaluated: 2018-01-12. Review status: criteria provided, single submitter. Criteria: ICSL Variant Classification Criteria 13 December 2019. Collection method: clinical testing. Allele origin: germline.
Comment: This variant was observed in the ICSL laboratory as part of a predisposition screen in an ostensibly healthy population. It had not been previously curated by ICSL or reported in the Human Gene Mutation Database (HGMD: prior to June 1st, 2018), and was therefore a candidate for classification through an automated scoring system. Utilizing variant allele frequency, disease prevalence and penetrance estimates, and inheritance mode, an automated score was calculated to assess if this variant is too frequent to cause the disease. Based on the score and internal cut-off values, a variant classified as likely benign is not then subjected to further curation. The score for this variant resulted in a classification of likely benign for this disease.

Illumina Laboratory Services, Illumina
Classification: Likely benign for Arrhythmogenic cardiomyopathy with wooly hair and keratoderma. Last evaluated: 2018-01-12. Review status: criteria provided, single submitter. Criteria: ICSL Variant Classification Criteria 13 December 2019. Collection method: clinical testing. Allele origin: germline.
Comment: the same text as in the submission from Illumina Laboratory Services, Illumina above.

Illumina Laboratory Services, Illumina
Classification: Uncertain significance for Arrhythmogenic right ventricular dysplasia 8. Last evaluated: 2018-01-12. Review status: criteria provided, single submitter. Criteria: ICSL Variant Classification Criteria 13 December 2019. Collection method: clinical testing. Allele origin: germline.

Ambry Genetics
Classification: Likely benign for Cardiovascular phenotype. Last evaluated: 2016-11-30. Review status: criteria provided, single submitter. Criteria: Ambry Variant Classification Scheme 2023. Collection method: clinical testing. Allele origin: germline.

Genetics and Genomics Program, Sidra Medicine
Classification: Likely benign for Primary dilated cardiomyopathy. Review status: criteria provided, single submitter. Criteria: ACMG Guidelines, 2015. Collection method: research. Allele origin: unknown. Affected: yes. Observed: 1 variant allele.

Clinical Genetics DNA and cytogenetics Diagnostics Lab, Erasmus MC, Erasmus Medical Center
Classification: Likely benign. Review status: no assertion criteria provided. Collection method: clinical testing. Allele origin: germline. Affected: yes. Study: VKGL Data-share Consensus. Not counted in ClinVar's aggregate classification.

Clinical Genetics, Academic Medical Center
Classification: Benign. Review status: no assertion criteria provided. Collection method: clinical testing. Allele origin: germline. Affected: yes. Study: VKGL Data-share Consensus. Not counted in ClinVar's aggregate classification.

Diagnostic Laboratory, Department of Genetics, University Medical Center Groningen
Classification: Likely benign. Review status: no assertion criteria provided. Collection method: clinical testing. Allele origin: germline. Affected: yes. Study: VKGL Data-share Consensus. Not counted in ClinVar's aggregate classification.

Genome Diagnostics Laboratory, University Medical Center Utrecht
Classification: Likely benign. Review status: no assertion criteria provided. Collection method: clinical testing. Allele origin: germline. Affected: yes. Study: VKGL Data-share Consensus. Not counted in ClinVar's aggregate classification.